The following is an entry in ClinVar:

ClinVar aggregate classification (germline): Likely pathogenic (1 of 4 stars; one submission).

Submission:

Labcorp Genetics (formerly Invitae), Labcorp
Classification: Likely pathogenic. Last evaluated: 2025-12-27. Review status: criteria provided, single submitter. Criteria: Invitae Variant Classification Sherloc (09022015). Collection method: clinical testing. Allele origin: germline.
Comment: This sequence change affects an acceptor splice site in intron 3 of the ELOVL4 gene. It is expected to disrupt RNA splicing. Variants that disrupt the donor or acceptor splice site typically lead to a loss of protein function (PMID: 16199547), and loss-of-function variants in ELOVL4 are known to be pathogenic (PMID: 24571530). This variant is not present in population databases (gnomAD no frequency). This variant has not been reported in the literature in individuals affected with ELOVL4-related conditions. Algorithms developed to predict the effect of sequence changes on RNA splicing suggest that this variant may disrupt the consensus splice site. In summary, the currently available evidence indicates that the variant is pathogenic, but additional data are needed to prove that conclusively. Therefore, this variant has been classified as Likely Pathogenic.

Literature cited by the submitters: PubMed 16199547; PubMed 24571530.

NM_022726.4(ELOVL4):c.370-1G>C

Gene: ELOVL4 (ELOVL fatty acid elongase 4; minus strand). Cytogenetic location: 6q14.1.
Variant type: single nucleotide variant.
Coding change: c.370-1G>C on transcript NM_022726.4 (MANE Select); the canonical splice acceptor site of the intron before coding-DNA position 370, G replaced by C.
Molecular consequence: splice acceptor variant.
Genome position (GRCh38, 1-based): chr6:79,921,797, C>G on the plus strand (G>C on the coding strand, the complement: ELOVL4 is on the minus strand). VCF-style: chr6-79921797-C-G. GRCh37 (hg19) VCF-style: chr6-80631514-C-G.
Identifiers: ClinVar variation 4808358 (VCV004808358.1).